The following is an entry in ClinVar:

ClinVar aggregate classification (germline): Uncertain significance (1 of 4 stars; one submission).

Conditions:
Neutropenia, severe congenital, 1, autosomal dominant. Identifiers: MedGen C1859966, MONDO:0042490, OMIM 202700.
Cyclical neutropenia. Also called: Cyclic Neutropenia; Cyclic hematopoiesis. Identifiers: Orphanet 2686, MedGen C0221023, MONDO:0008090, OMIM 162800, HP:0040289. Disease mechanism: loss of function.

Submission:

Labcorp Genetics (formerly Invitae), Labcorp
Classification: Uncertain significance for Neutropenia, severe congenital, 1, autosomal dominant; Cyclical neutropenia. Last evaluated: 2021-11-27. Review status: criteria provided, single submitter. Criteria: Invitae Variant Classification Sherloc (09022015). Collection method: clinical testing. Allele origin: germline.
Comment: In summary, the available evidence is currently insufficient to determine the role of this variant in disease. Therefore, it has been classified as a Variant of Uncertain Significance. Algorithms developed to predict the effect of missense changes on protein structure and function (SIFT, PolyPhen-2, Align-GVGD) all suggest that this variant is likely to be tolerated. This missense change has been observed in individuals with congenital neutropenia and/or cyclic neutropenia (PMID: 23463630; Invitae). This variant is not present in population databases (gnomAD no frequency). This sequence change replaces leucine, which is neutral and non-polar, with proline, which is neutral and non-polar, at codon 49 of the ELANE protein (p.Leu49Pro).

Literature cited by the submitters: PubMed 23463630.

NM_001972.4(ELANE):c.146T>C (p.Leu49Pro)

Gene: ELANE (elastase, neutrophil expressed; plus strand). Cytogenetic location: 19p13.3.
Variant type: single nucleotide variant.
Coding change: c.146T>C on transcript NM_001972.4 (MANE Select); coding-DNA position 146, T replaced by C.
Protein change: p.Leu49Pro; replaces leucine 49 with proline.
Molecular consequence: missense variant.
Genome position (GRCh38, 1-based): chr19:852,954, T>C. VCF-style: chr19-852954-T-C. GRCh37 (hg19) VCF-style: chr19-852954-T-C.
Other names: short protein forms L49P.
Identifiers: ClinVar variation 1480802 (VCV001480802.6), dbSNP rs2145144098, ClinGen allele CA402914587.